The following is an entry in ClinVar:

ClinVar aggregate classification (germline): Benign. Review status: criteria provided, multiple submitters, no conflicts (2 of 4 stars). 2 submissions from 2 submitters: Benign (2). Last evaluated 2018-06-14.

Allele frequency attached by ClinVar (database versions not stated): gnomAD exomes 0.00770; gnomAD 0.06450 and 0.06944; 1000 Genomes Project 0.06649; 1000 Genomes Project 30x 0.06951; TOPMed 0.07575.
gnomAD v4.1: 11,204 of 597,430 alleles (1.9%); highest among the groups gnomAD compares: African/African-American, 22%; 837 homozygotes.

Submissions (4):

GeneDx
Classification: Benign. Last evaluated: 2018-06-14. Review status: criteria provided, single submitter. Criteria: GeneDx Variant Classification (06012015). Collection method: clinical testing. Allele origin: germline. Affected: yes.
Comment: This variant is considered likely benign or benign based on one or more of the following criteria: it is a conservative change, it occurs at a poorly conserved position in the protein, it is predicted to be benign by multiple in silico algorithms, and/or has population frequency not consistent with disease.

Breakthrough Genomics
Classification: Benign. Review status: criteria provided, single submitter. Criteria: ACMG Guidelines, 2015. Collection method: not provided. Allele origin: germline. Inheritance: X-linked inheritance. Affected: yes.

Dr. Peter K. Rogan Lab, Western University
No classification provided (evidence only). Condition: Cervical cancer. Review status: no classification provided. Collection method: in vitro. Allele origin: not applicable. Functional consequence: retained intron. Not counted in ClinVar's aggregate classification.

Dr. Peter K. Rogan Lab, Western University
No classification provided (evidence only). Condition: Uterine carcinosarcoma. Review status: no classification provided. Collection method: in vitro. Allele origin: not applicable. Functional consequence: retained intron. Not counted in ClinVar's aggregate classification.

NM_004006.3(DMD):c.1812+118A>G

Gene: DMD (dystrophin; minus strand). Cytogenetic location: Xp21.1.
Variant type: single nucleotide variant.
Coding change: c.1812+118A>G on transcript NM_004006.3 (MANE Select); 118 bases into the intron after coding-DNA position 1812, A replaced by G.
Molecular consequence: intron variant.
Genome position (GRCh38, 1-based): chrX:32,573,412, T>C on the plus strand (A>G on the coding strand, the complement: DMD is on the minus strand). VCF-style: chrX-32573412-T-C. GRCh37 (hg19) VCF-style: chrX-32591529-T-C.
Other names: NC_000023.10:g.32591529T>C; c.1788+118A>G (NM_000109.4); c.1800+118A>G (NM_004009.3); c.1443+118A>G (NM_004010.3).
Identifiers: ClinVar variation 671354 (VCV000671354.3), dbSNP rs66481382, ClinGen allele CA328038628.